The following is an entry in ClinVar:

NM_001365276.2(TNXB):c.3972G>T (p.Lys1324Asn)

Gene: TNXB (tenascin XB; minus strand). Cytogenetic location: 6p21.33.
Variant type: single nucleotide variant.
Coding change: c.3972G>T on transcript NM_001365276.2 (MANE Select); coding-DNA position 3972, G replaced by T.
Protein change: p.Lys1324Asn; replaces lysine 1324 with asparagine.
Molecular consequence: missense variant.
Genome position (GRCh38, 1-based): chr6:32,081,438, C>A on the plus strand (G>T on the coding strand, the complement: TNXB is on the minus strand). VCF-style: chr6-32081438-C-A. GRCh37 (hg19) VCF-style: chr6-32049215-C-A.
Other names: c.3972G>T, p.Lys1324Asn (NM_019105.8); short protein forms K1324N.
Identifiers: ClinVar variation 2451210 (VCV002451210.2), dbSNP rs117635810, ClinGen allele CA363432111.
Genomic context (GRCh38, chr6:32,081,438, plus strand): 5'-CACCACAGACTCGGGCCCCACACGCTGCCTGCCACGAAGCCCGTAGAGGTTCATCTTATA[C>A]TTCCGGTCGGGATCCAGGCCGGGGACAGTAACCTCATTCTCATCCCCCGCAACAGGCACT-3'
Protein context (NP_001352205.1, residues 1314-1334): VTVPGLDPDR[Lys1324Asn]YKMNLYGLRG

ClinVar aggregate classification (germline): Uncertain significance (1 of 4 stars; one submission).

Conditions:
Cardiovascular phenotype. Identifiers: MedGen CN230736.

gnomAD v4.1: 1 of 1,571,814 alleles (0.000064%); highest among the groups gnomAD compares: South Asian, 0.0012%; no homozygotes.

Submission:

Ambry Genetics
Classification: Uncertain significance for Cardiovascular phenotype. Last evaluated: 2023-03-13. Review status: criteria provided, single submitter. Criteria: Ambry Variant Classification Scheme 2023. Collection method: clinical testing. Allele origin: germline.
Comment: The p.K1324N variant (also known as c.3972G>T), located in coding exon 9 of the TNXB gene, results from a G to T substitution at nucleotide position 3972. The lysine at codon 1324 is replaced by asparagine, an amino acid with similar properties. This amino acid position is conserved. In addition, this alteration is predicted to be tolerated by in silico analysis. Since supporting evidence is limited at this time, the clinical significance of this alteration remains unclear.